The following is an entry in ClinVar:

ClinVar aggregate classification (germline): Uncertain significance (1 of 4 stars; one submission).

Submission:

Labcorp Genetics (formerly Invitae), Labcorp
Classification: Uncertain significance. Last evaluated: 2023-09-25. Review status: criteria provided, single submitter. Criteria: Invitae Variant Classification Sherloc (09022015). Collection method: clinical testing. Allele origin: germline.
Comment: This sequence change falls in intron 42 of the PRPF8 gene. It does not directly change the encoded amino acid sequence of the PRPF8 protein. It affects a nucleotide within the consensus splice site. This variant is not present in population databases (gnomAD no frequency). This variant has been observed in individual(s) with clinical features of retinitis pigmentosa (Invitae). Variants that disrupt the consensus splice site are a relatively common cause of aberrant splicing (PMID: 17576681, 9536098). Algorithms developed to predict the effect of sequence changes on RNA splicing suggest that this variant may create or strengthen a splice site. In summary, the available evidence is currently insufficient to determine the role of this variant in disease. Therefore, it has been classified as a Variant of Uncertain Significance.

Literature cited by the submitters: PubMed 17576681; PubMed 9536098.

NM_006445.4(PRPF8):c.6853+3A>C

Gene: PRPF8 (pre-mRNA processing factor 8; minus strand). Cytogenetic location: 17p13.3.
Variant type: single nucleotide variant.
Coding change: c.6853+3A>C on transcript NM_006445.4 (MANE Select); 3 bases into the intron after coding-DNA position 6853, A replaced by C.
Molecular consequence: intron variant.
Genome position (GRCh38, 1-based): chr17:1,651,105, T>G on the plus strand (A>C on the coding strand, the complement: PRPF8 is on the minus strand). VCF-style: chr17-1651105-T-G. GRCh37 (hg19) VCF-style: chr17-1554399-T-G.
Identifiers: ClinVar variation 2756785 (VCV002756785.3), dbSNP rs2543710915, ClinGen allele CA2697556106.